The following is an entry in ClinVar:

ClinVar aggregate classification (germline): Uncertain significance (1 of 4 stars; one submission).

gnomAD v4.1: 36 of 1,613,240 alleles (0.0022%); highest among the groups gnomAD compares: Middle Eastern, 0.049%; no homozygotes.

Submission:

Labcorp Genetics (formerly Invitae), Labcorp
Classification: Uncertain significance. Last evaluated: 2025-10-26. Review status: criteria provided, single submitter. Criteria: Invitae Variant Classification Sherloc (09022015). Collection method: clinical testing. Allele origin: germline.
Comment: This sequence change replaces proline, which is neutral and non-polar, with arginine, which is basic and polar, at codon 295 of the LEMD3 protein (p.Pro295Arg). This variant is not present in population databases (gnomAD no frequency). This variant has not been reported in the literature in individuals affected with LEMD3-related conditions. ClinVar contains an entry for this variant (Variation ID: 3604860). Invitae Evidence Modeling of protein sequence and biophysical properties (such as structural, functional, and spatial information, amino acid conservation, physicochemical variation, residue mobility, and thermodynamic stability) indicates that this missense variant is not expected to disrupt LEMD3 protein function with a negative predictive value of 80%. In summary, the available evidence is currently insufficient to determine the role of this variant in disease. Therefore, it has been classified as a Variant of Uncertain Significance.

NM_014319.5(LEMD3):c.884C>G (p.Pro295Arg)

Gene: LEMD3 (LEM domain containing 3; plus strand). Cytogenetic location: 12q14.3.
Variant type: single nucleotide variant.
Coding change: c.884C>G on transcript NM_014319.5 (MANE Select); coding-DNA position 884, C replaced by G.
Protein change: p.Pro295Arg; replaces proline 295 with arginine.
Molecular consequence: missense variant.
Genome position (GRCh38, 1-based): chr12:65,170,480, C>G. VCF-style: chr12-65170480-C-G. GRCh37 (hg19) VCF-style: chr12-65564260-C-G.
Other names: c.884C>G, p.Pro295Arg (NM_001167614.2); short protein forms P295R.
Identifiers: ClinVar variation 3604860 (VCV003604860.2).